The following is an entry in ClinVar:

ClinVar aggregate classification (germline): Likely pathogenic. Review status: criteria provided, multiple submitters, no conflicts (2 of 4 stars). 3 submissions from 3 submitters: Likely pathogenic (3). Last evaluated 2026-07-30.

Conditions:
Hereditary cancer-predisposing syndrome. Also called: Neoplastic Syndromes, Hereditary; Hereditary Cancer Syndrome; Hereditary neoplastic syndrome; Tumor predisposition. Identifiers: Orphanet 140162, MedGen C0027672, MeSH D009386, MONDO:0015356.

Submissions (3):

Ambry Genetics
Classification: Likely pathogenic for Hereditary cancer-predisposing syndrome. Last evaluated: 2026-07-30. Review status: criteria provided, single submitter. Criteria: Ambry Variant Classification Scheme 2023. Collection method: clinical testing. Allele origin: germline.
Comment: The c.549+1G>A intronic variant results from a G to A substitution one nucleotide after coding exon 3 of the NTHL1 gene. Variants that disrupt the canonical splice site are expected to result in aberrant splicing. In silico splice site analysis predicts that this alteration will weaken the native splice donor site. A resulting transcript is predicted to be in-frame and is not expected to trigger nonsense-mediated mRNAdecay; although, direct evidence is unavailable. However, the region predicted to be impacted is critical for protein function and a significant portion of the protein is predicted to be impacted (Ambry internal data). This variant is considered to be rare based on population cohorts in the Genome Aggregation Database (gnomAD). This nucleotide position is highly conserved in available vertebrate species. Based on the majority of available evidence to date, this variant is likely to be pathogenic.

Quest Diagnostics Nichols Institute San Juan Capistrano
Classification: Likely pathogenic. Last evaluated: 2025-06-02. Review status: criteria provided, single submitter. Criteria: Quest Diagnostics criteria. Collection method: clinical testing. Allele origin: unknown.
Comment: The NTHL1 c.549+1G>A variant disrupts a canonical splice-donor site and is predicted to interfere with normal NTHL1 mRNA splicing. This variant has not been reported in individuals with NTHL1-related conditions in the published literature. This variant has not been reported in large, multi-ethnic general populations (Genome Aggregation Database). Based on the available information, this variant is classified as likely pathogenic.

Labcorp Genetics (formerly Invitae), Labcorp
Classification: Likely pathogenic. Last evaluated: 2018-12-10. Review status: criteria provided, single submitter. Criteria: Invitae Variant Classification Sherloc (09022015). Collection method: clinical testing. Allele origin: germline.
Comment: This sequence change affects a donor splice site in intron 3 of the NTHL1 gene. It is expected to disrupt RNA splicing and likely results in an absent or disrupted protein product. This variant is not present in population databases (ExAC no frequency). This variant has not been reported in the literature in individuals with NTHL1-related conditions. Algorithms developed to predict the effect of sequence changes on RNA splicing suggest that this variant may disrupt the consensus splice site, but this prediction has not been confirmed by published transcriptional studies. Donor and acceptor splice site variants typically lead to a loss of protein function (PMID: 16199547), and loss-of-function variants in NTHL1 are known to be pathogenic (PMID: 25938944, 26559593). In summary, the currently available evidence indicates that the variant is pathogenic, but additional data are needed to prove that conclusively. Therefore, this variant has been classified as Likely Pathogenic.

Literature cited by the submitters: PubMed 16199547 (cited by Labcorp Genetics (formerly Invitae), Labcorp); PubMed 25938944 (cited by Labcorp Genetics (formerly Invitae), Labcorp); PubMed 26559593 (cited by Labcorp Genetics (formerly Invitae), Labcorp).

NM_002528.7(NTHL1):c.525+1G>A

Gene: NTHL1 (nth like DNA glycosylase 1; minus strand). Cytogenetic location: 16p13.3.
Variant type: single nucleotide variant.
Coding change: c.525+1G>A on transcript NM_002528.7 (MANE Select); the canonical splice donor site of the intron after coding-DNA position 525, G replaced by A.
Molecular consequence: splice donor variant. On other transcripts: intron variant (1).
Genome position (GRCh38, 1-based): chr16:2,044,629, C>T on the plus strand (G>A on the coding strand, the complement: NTHL1 is on the minus strand). VCF-style: chr16-2044629-C-T. GRCh37 (hg19) VCF-style: chr16-2094630-C-T.
Other names: c.195+1G>A (NM_001318194.2); c.355-903G>A (NM_001318193.2); c.549+1G>A (NM_002528.5).
Identifiers: ClinVar variation 656780 (VCV000656780.9), dbSNP rs1596220242, ClinGen allele CA394294045.